The following is an entry in ClinVar:

ClinVar aggregate classification (germline): Uncertain significance. Review status: criteria provided, multiple submitters, no conflicts (2 of 4 stars). 3 submissions from 3 submitters: Uncertain significance (3). Last evaluated 2025-08-17.

Conditions:
Gastrointestinal stromal tumor. Also called: Gastrointestinal stroma tumor; Gastrointestinal stromal tumor, somatic. Identifiers: Orphanet 44890, MedGen C0238198, MeSH D046152, MONDO:0011719, OMIM 606764, HP:0100723.
Hereditary cancer-predisposing syndrome. Also called: Tumor predisposition; Hereditary Cancer Syndrome; Hereditary neoplastic syndrome; Neoplastic Syndromes, Hereditary. Identifiers: Orphanet 140162, MedGen C0027672, MeSH D009386, MONDO:0015356.

Allele frequency attached by ClinVar (database versions not stated): gnomAD exomes below 0.00001.
gnomAD v4.1: 1 of 1,613,464 alleles (0.000062%); highest among the groups gnomAD compares: Non-Finnish European, 0.000085%; no homozygotes.

Submissions (3):

Labcorp Genetics (formerly Invitae), Labcorp
Classification: Uncertain significance for Gastrointestinal stromal tumor. Last evaluated: 2025-08-17. Review status: criteria provided, single submitter. Criteria: Invitae Variant Classification Sherloc (09022015). Collection method: clinical testing. Allele origin: germline.
Comment: This sequence change replaces serine, which is neutral and polar, with phenylalanine, which is neutral and non-polar, at codon 903 of the PDGFRA protein (p.Ser903Phe). This variant is not present in population databases (gnomAD no frequency). This variant has not been reported in the literature in individuals affected with PDGFRA-related conditions. ClinVar contains an entry for this variant (Variation ID: 1361163). Invitae Evidence Modeling of protein sequence and biophysical properties (such as structural, functional, and spatial information, amino acid conservation, physicochemical variation, residue mobility, and thermodynamic stability) indicates that this missense variant is not expected to disrupt PDGFRA protein function with a negative predictive value of 80%. In summary, the available evidence is currently insufficient to determine the role of this variant in disease. Therefore, it has been classified as a Variant of Uncertain Significance.

ARUP Laboratories, Molecular Genetics and Genomics, ARUP Laboratories
Classification: Uncertain significance. Last evaluated: 2025-07-11. Review status: criteria provided, single submitter. Criteria: ARUP Molecular Germline Variant Investigation Process 2024. Collection method: clinical testing. Allele origin: germline.
Comment: The PDGFRA c.2708C>T; p.Ser903Phe variant (rs2110344549), to our knowledge, is not reported in the medical literature in association with cancer but is reported in ClinVar (Variation ID: 1361163). This variant is absent from the Genome Aggregation Database (v2.1.1), indicating it is not a common polymorphism. Computational analyses are uncertain whether this variant is neutral or deleterious (REVEL: 0.631). Due to limited information, the clinical significance of this variant is uncertain at this time.

Ambry Genetics
Classification: Uncertain significance for Hereditary cancer-predisposing syndrome. Last evaluated: 2025-05-28. Review status: criteria provided, single submitter. Criteria: Ambry Variant Classification Scheme 2023. Collection method: clinical testing. Allele origin: germline.
Comment: The p.S903F variant (also known as c.2708C>T), located in coding exon 19 of the PDGFRA gene, results from a C to T substitution at nucleotide position 2708. The serine at codon 903 is replaced by phenylalanine, an amino acid with highly dissimilar properties. This amino acid position is well conserved in available vertebrate species. In addition, this alteration is predicted to be deleterious by in silico analysis. Based on the available evidence, the clinical significance of this variant remains unclear.

NM_006206.6(PDGFRA):c.2708C>T (p.Ser903Phe)

Gene: PDGFRA (platelet derived growth factor receptor alpha; plus strand). Cytogenetic location: 4q12.
Variant type: single nucleotide variant.
Coding change: c.2708C>T on transcript NM_006206.6 (MANE Select); coding-DNA position 2708, C replaced by T.
Protein change: p.Ser903Phe; replaces serine 903 with phenylalanine.
Molecular consequence: missense variant.
Genome position (GRCh38, 1-based): chr4:54,288,832, C>T. VCF-style: chr4-54288832-C-T. GRCh37 (hg19) VCF-style: chr4-55154999-C-T.
Other names: c.2783C>T, p.Ser928Phe (NM_001347828.2); c.2708C>T, p.Ser903Phe (NM_001347829.2); c.2747C>T, p.Ser916Phe (NM_001347830.2); c.2708C>T (NM_006206.4); short protein forms S928F, S916F, S903F.
Identifiers: ClinVar variation 1361163 (VCV001361163.8), dbSNP rs2110344549, ClinGen allele CA356895474.